The following is an entry in ClinVar:

ClinVar aggregate classification (germline): Conflicting classifications of pathogenicity. Review status: criteria provided, conflicting classifications (1 of 4 stars). 2 submissions from 2 submitters: Uncertain significance (1); Benign (1). Last evaluated 2024-03-22.

Conditions:
Primary ciliary dyskinesia. Also called: Ciliary dyskinesia. Identifiers: Orphanet 244, MedGen C0008780, MONDO:0016575, HP:0012265.

Allele frequency attached by ClinVar (database versions not stated): TOPMed 0.00001; gnomAD 0.00002 and 0.00003; gnomAD exomes 0.00003; ExAC 0.00006.
gnomAD v4.1: 55 of 1,613,442 alleles (0.0034%); highest among the groups gnomAD compares: South Asian, 0.0088%; no homozygotes.

Submissions (2):

Ambry Genetics
Classification: Uncertain significance for Primary ciliary dyskinesia. Last evaluated: 2024-03-22. Review status: criteria provided, single submitter. Criteria: Ambry Variant Classification Scheme 2023. Collection method: clinical testing. Allele origin: germline.
Comment: The p.Y1629C variant (also known as c.4886A>G), located in coding exon 28 of the DNAH11 gene, results from an A to G substitution at nucleotide position 4886. The tyrosine at codon 1629 is replaced by cysteine, an amino acid with highly dissimilar properties. This amino acid position is conserved. In addition, the in silico prediction for this alteration is inconclusive. Based on the available evidence, the clinical significance of this alteration remains unclear.

Labcorp Genetics (formerly Invitae), Labcorp
Classification: Benign for Primary ciliary dyskinesia. Last evaluated: 2023-12-22. Review status: criteria provided, single submitter. Criteria: Invitae Variant Classification Sherloc (09022015). Collection method: clinical testing. Allele origin: germline.

NM_001277115.2(DNAH11):c.4886A>G (p.Tyr1629Cys)

Gene: DNAH11 (dynein axonemal heavy chain 11; plus strand). Cytogenetic location: 7p15.3.
Variant type: single nucleotide variant.
Coding change: c.4886A>G on transcript NM_001277115.2 (MANE Select); coding-DNA position 4886, A replaced by G.
Protein change: p.Tyr1629Cys; replaces tyrosine 1629 with cysteine.
Molecular consequence: missense variant.
Genome position (GRCh38, 1-based): chr7:21,639,007, A>G. VCF-style: chr7-21639007-A-G. GRCh37 (hg19) VCF-style: chr7-21678625-A-G.
Other names: c.4886A>G (NM_001277115.1); short protein forms Y1629C.
Identifiers: ClinVar variation 1524157 (VCV001524157.7), dbSNP rs750494795, ClinGen allele CA4180210.